The following is an entry in ClinVar:

NM_000018.4(ACADVL):c.1828-4C>G

Gene: ACADVL (acyl-CoA dehydrogenase very long chain; plus strand). Cytogenetic location: 17p13.1.
Variant type: single nucleotide variant.
Coding change: c.1828-4C>G on transcript NM_000018.4 (MANE Select); 4 bases into the intron before coding-DNA position 1828, C replaced by G.
Molecular consequence: intron variant.
Genome position (GRCh38, 1-based): chr17:7,224,953, C>G. VCF-style: chr17-7224953-C-G. GRCh37 (hg19) VCF-style: chr17-7128272-C-G.
Other names: p.?; c.1897-4C>G (NM_001270447.2); c.1600-4C>G (NM_001270448.2); c.1762-4C>G (NM_001033859.3).
Identifiers: ClinVar variation 254697 (VCV000254697.33), dbSNP rs184559206, ClinGen allele CA8338291.

ClinVar aggregate classification (germline): Conflicting classifications of pathogenicity. Review status: criteria provided, conflicting classifications (1 of 4 stars). 9 submissions from 9 submitters: Uncertain significance (1); Benign (3); Likely benign (3). 2 of the submissions do not count toward it. Last evaluated 2026-02-04.

Conditions:
Very long chain acyl-CoA dehydrogenase deficiency (ACADVLD). Also called: VLCAD Deficiency; Very Long-Chain Acyl-Coenzyme A Dehydrogenase Deficiency. Identifiers: Orphanet 26793, MedGen C3887523, MONDO:0008723, OMIM 201475.

Allele frequency attached by ClinVar (database versions not stated): gnomAD exomes 0.00017 and 0.00048; gnomAD 0.00178 and 0.00192; TOPMed 0.00181; ESP Exome Variant Server 0.00192; 1000 Genomes Project 0.00300; 1000 Genomes Project 30x 0.00328.
gnomAD v4.1: 519 of 1,614,046 alleles (0.032%); highest among the groups gnomAD compares: African/African-American, 0.64%; 2 homozygotes.

Submissions (9):

Labcorp Genetics (formerly Invitae), Labcorp
Classification: Benign for Very long chain acyl-CoA dehydrogenase deficiency. Last evaluated: 2026-02-04. Review status: criteria provided, single submitter. Criteria: Invitae Variant Classification Sherloc (09022015). Collection method: clinical testing. Allele origin: germline.

Mayo Clinic Laboratories, Mayo Clinic
Classification: Likely benign. Last evaluated: 2025-04-14. Review status: criteria provided, single submitter. Criteria: ACMG Guidelines, 2015. Collection method: clinical testing. Allele origin: germline. Observed: 3 variant alleles.
Comment: BS1, BP4, BP7

Blueprint Genetics
Classification: Likely benign. Last evaluated: 2024-09-16. Review status: criteria provided, single submitter. Criteria: ACMG Guidelines, 2015. Collection method: clinical testing. Allele origin: germline.

ARUP Laboratories, Molecular Genetics and Genomics, ARUP Laboratories
Classification: Benign for Very long chain acyl-CoA dehydrogenase deficiency. Last evaluated: 2022-03-28. Review status: criteria provided, single submitter. Criteria: ARUP Molecular Germline Variant Investigation Process 2021. Collection method: clinical testing. Allele origin: germline.

Wong Mito Lab, Molecular and Human Genetics, Baylor College of Medicine
Classification: Uncertain significance for Very long chain acyl-CoA dehydrogenase deficiency. Last evaluated: 2019-11-01. Review status: criteria provided, single submitter. Criteria: ACMG Guidelines, 2015. Collection method: clinical testing. Allele origin: germline.
Comment: The NM_000018.3:c.1828-4C>G (NP_000009.1:p.?) [GRCH38: NC_000017.11:g.7224953C>G] variant in ACADVL gene is interpretated to be Uncertain Significance based on ACMG guidelines (PMID: 25741868). This variant has been reported. This variant meets the following evidence codes reported in the ACMG guidelines: BP4

GeneDx
Classification: Benign. Last evaluated: 2015-03-06. Review status: criteria provided, single submitter. Criteria: GeneDx Variant Classification Process June 2021. Collection method: clinical testing. Allele origin: germline. Affected: yes.

PreventionGenetics, part of Exact Sciences
Classification: Likely benign. Review status: criteria provided, single submitter. Criteria: ACMG Guidelines, 2015. Collection method: clinical testing. Allele origin: germline.

Natera, Inc.
Classification: Likely benign for Very long chain acyl-CoA dehydrogenase deficiency. Last evaluated: 2019-10-23. Review status: no assertion criteria provided. Collection method: clinical testing. Allele origin: germline. Not counted in ClinVar's aggregate classification.

Counsyl
Classification: Uncertain significance for Very long chain acyl-CoA dehydrogenase deficiency. Last evaluated: 2017-12-28. Review status: no assertion criteria provided. Collection method: clinical testing. Allele origin: unknown. Not counted in ClinVar's aggregate classification.

Literature cited by the submitters: PubMed 26385305 (cited by Counsyl).